The following is an entry in ClinVar:

ClinVar aggregate classification (germline): Uncertain significance (1 of 4 stars; one submission).

Submission:

Labcorp Genetics (formerly Invitae), Labcorp
Classification: Uncertain significance. Last evaluated: 2025-08-18. Review status: criteria provided, single submitter. Criteria: Invitae Variant Classification Sherloc (09022015). Collection method: clinical testing. Allele origin: germline.
Comment: This sequence change replaces lysine, which is basic and polar, with glutamine, which is neutral and polar, at codon 2189 of the MYO7A protein (p.Lys2189Gln). This variant is not present in population databases (gnomAD no frequency). This variant has not been reported in the literature in individuals affected with MYO7A-related conditions. ClinVar contains an entry for this variant (Variation ID: 1995519). Invitae Evidence Modeling of protein sequence and biophysical properties (such as structural, functional, and spatial information, amino acid conservation, physicochemical variation, residue mobility, and thermodynamic stability) has been performed for this missense variant. However, the output from this modeling did not meet the statistical confidence thresholds required to predict the impact of this variant on MYO7A protein function. In summary, the available evidence is currently insufficient to determine the role of this variant in disease. Therefore, it has been classified as a Variant of Uncertain Significance.

NM_000260.4(MYO7A):c.6565A>C (p.Lys2189Gln)

Gene: MYO7A (myosin VIIA; plus strand). Cytogenetic location: 11q13.5.
Variant type: single nucleotide variant.
Coding change: c.6565A>C on transcript NM_000260.4 (MANE Select); coding-DNA position 6565, A replaced by C.
Protein change: p.Lys2189Gln; replaces lysine 2189 with glutamine.
Molecular consequence: missense variant.
Genome position (GRCh38, 1-based): chr11:77,214,613, A>C. VCF-style: chr11-77214613-A-C. GRCh37 (hg19) VCF-style: chr11-76925658-A-C.
Other names: c.6445A>C, p.Lys2149Gln (NM_001127180.2); c.6418A>C, p.Lys2140Gln (NM_001369365.1); short protein forms K2140Q, K2149Q, K2189Q.
Identifiers: ClinVar variation 1995519 (VCV001995519.2), dbSNP rs2497842601, ClinGen allele CA381939106.